The following is an entry in ClinVar:

ClinVar aggregate classification (germline): Uncertain significance. Review status: criteria provided, multiple submitters, no conflicts (2 of 4 stars). 2 submissions from 2 submitters: Uncertain significance (2). Last evaluated 2022-04-25.

Conditions:
Inborn genetic diseases. Identifiers: MedGen C0950123, MeSH D030342.

Allele frequency attached by ClinVar (database versions not stated): TOPMed 0.00003.
gnomAD v4.1: 6 of 1,429,574 alleles (0.00042%); highest among the groups gnomAD compares: African/African-American, 0.006%; no homozygotes.

Submissions (2):

Ambry Genetics
Classification: Uncertain significance for Inborn genetic diseases. Last evaluated: 2022-04-25. Review status: criteria provided, single submitter. Criteria: Ambry Variant Classification Scheme 2023. Collection method: clinical testing. Allele origin: germline.

Labcorp Genetics (formerly Invitae), Labcorp
Classification: Uncertain significance. Last evaluated: 2022-01-31. Review status: criteria provided, single submitter. Criteria: Invitae Variant Classification Sherloc (09022015). Collection method: clinical testing. Allele origin: germline.
Comment: This sequence change replaces proline, which is neutral and non-polar, with arginine, which is basic and polar, at codon 86 of the ADAMTS17 protein (p.Pro86Arg). The frequency data for this variant in the population databases is considered unreliable, as metrics indicate poor data quality at this position in the gnomAD database. This variant has not been reported in the literature in individuals affected with ADAMTS17-related conditions. Algorithms developed to predict the effect of missense changes on protein structure and function are either unavailable or do not agree on the potential impact of this missense change (SIFT: "Not Available"; PolyPhen-2: "Probably Damaging"; Align-GVGD: "Not Available"). In summary, the available evidence is currently insufficient to determine the role of this variant in disease. Therefore, it has been classified as a Variant of Uncertain Significance.

NM_139057.4(ADAMTS17):c.257C>G (p.Pro86Arg)

Gene: ADAMTS17 (ADAM metallopeptidase with thrombospondin type 1 motif 17; minus strand). Cytogenetic location: 15q26.3.
Variant type: single nucleotide variant.
Coding change: c.257C>G on transcript NM_139057.4 (MANE Select); coding-DNA position 257, C replaced by G.
Protein change: p.Pro86Arg; replaces proline 86 with arginine.
Molecular consequence: missense variant.
Genome position (GRCh38, 1-based): chr15:100,341,232, G>C on the plus strand (C>G on the coding strand, the complement: ADAMTS17 is on the minus strand). VCF-style: chr15-100341232-G-C. GRCh37 (hg19) VCF-style: chr15-100881437-G-C.
Other names: short protein forms P86R.
Identifiers: ClinVar variation 2053068 (VCV002053068.2), dbSNP rs972916449, ClinGen allele CA275938161.